The following is an entry in ClinVar:

NM_001395159.1(UNC79):c.3682A>T (p.Arg1228Trp)

Gene: UNC79 (unc-79 homolog, NALCN channel complex subunit; plus strand). Cytogenetic location: 14q32.12.
Variant type: single nucleotide variant.
Coding change: c.3682A>T on transcript NM_001395159.1 (MANE Select); coding-DNA position 3682, A replaced by T.
Protein change: p.Arg1228Trp; replaces arginine 1228 with tryptophan.
Molecular consequence: missense variant.
Genome position (GRCh38, 1-based): chr14:93,603,346, A>T. VCF-style: chr14-93603346-A-T. GRCh37 (hg19) VCF-style: chr14-94069692-A-T.
Other names: c.3682A>T, p.Arg1228Trp (NM_001346218.2); c.3151A>T, p.Arg1051Trp (NM_020818.5); short protein forms R1228W, R1051W.
Identifiers: ClinVar variation 3186658 (VCV003186658.1), dbSNP rs2549239855, ClinGen allele CA390814750.

ClinVar aggregate classification (germline): Uncertain significance (1 of 4 stars; one submission).

Conditions:
Inborn genetic diseases. Identifiers: MedGen C0950123, MeSH D030342.

Allele frequency attached by ClinVar (database versions not stated): gnomAD exomes below 0.00001.
gnomAD v4.1: 2 of 1,614,200 alleles (0.00012%); highest among the groups gnomAD compares: Non-Finnish European, 0.00017%; no homozygotes.

Submission:

Ambry Genetics
Classification: Uncertain significance for Inborn genetic diseases. Last evaluated: 2023-10-03. Review status: criteria provided, single submitter. Criteria: Ambry Variant Classification Scheme 2023. Collection method: clinical testing. Allele origin: germline.
Comment: The c.3151A>T (p.R1051W) alteration is located in exon 26 (coding exon 23) of the UNC79 gene. This alteration results from a A to T substitution at nucleotide position 3151, causing the arginine (R) at amino acid position 1051 to be replaced by a tryptophan (W). This variant was not reported in population-based cohorts in the Genome Aggregation Database (gnomAD). This amino acid position is highly conserved in available vertebrate species. The in silico prediction for this alteration is inconclusive. Based on insufficient or conflicting evidence, the clinical significance of this alteration remains unclear.